The following is an entry in ClinVar:

ClinVar aggregate classification (germline): Pathogenic (1 of 4 stars; one submission).

Conditions:
Spastic paraplegia. Identifiers: MedGen C0037772, HP:0001258.

Submission:

Labcorp Genetics (formerly Invitae), Labcorp
Classification: Pathogenic for Spastic paraplegia. Last evaluated: 2024-06-06. Review status: criteria provided, single submitter. Criteria: Invitae Variant Classification Sherloc (09022015). Collection method: clinical testing. Allele origin: germline.
Comment: This sequence change creates a premature translational stop signal (p.His293Glnfs*10) in the L1CAM gene. It is expected to result in an absent or disrupted protein product. Loss-of-function variants in L1CAM are known to be pathogenic (PMID: 19846429). This variant is not present in population databases (gnomAD no frequency). This variant has not been reported in the literature in individuals affected with L1CAM-related conditions. For these reasons, this variant has been classified as Pathogenic.

Literature cited by the submitters: PubMed 19846429.

NM_001278116.2(L1CAM):c.874_878dup (p.His293fs)

Gene: L1CAM (L1 cell adhesion molecule; minus strand). Cytogenetic location: Xq28.
Variant type: Duplication.
Coding change: c.874_878dup on transcript NM_001278116.2 (MANE Select); coding-DNA positions 874 to 878, 5 bases duplicated (AACCA; older notation c.874_878dupAACCA).
Protein change: p.His293fs; shifts the reading frame from histidine 293.
Molecular consequence: frameshift variant.
Genome position (GRCh38, 1-based): chrX:153,870,169-153,870,173, TGGTT duplicated on the plus strand (AACCA on the coding strand, the reverse complement: L1CAM is on the minus strand). VCF-style (leftmost placement, unchanged base first): chrX-153870168-G-GTGGTT. GRCh37 (hg19) VCF-style: chrX-153135623-G-GTGGTT.
Other names: c.874_878dup, p.His293fs (NM_000425.5, NM_024003.3); c.859_863dup, p.His288fs (NM_001143963.2); short protein forms H293fs, H288fs.
Identifiers: ClinVar variation 3655769 (VCV003655769.2).